The following is an entry in ClinVar:

ClinVar aggregate classification (germline): Uncertain significance. Review status: criteria provided, multiple submitters, no conflicts (2 of 4 stars). 2 submissions from 2 submitters: Uncertain significance (2). Last evaluated 2023-12-01.

Conditions:
Congenital myasthenic syndrome 5. Identifiers: Orphanet 590, MedGen C1864233, MONDO:0011281, OMIM 603034.

Allele frequency attached by ClinVar (database versions not stated): gnomAD 0.00001; TOPMed 0.00002.
gnomAD v4.1: 28 of 1,613,978 alleles (0.0017%); highest among the groups gnomAD compares: Non-Finnish European, 0.0021%; no homozygotes.

Submissions (2):

Revvity Omics, Revvity
Classification: Uncertain significance for Congenital myasthenic syndrome 5. Last evaluated: 2023-12-01. Review status: criteria provided, single submitter. Criteria: ACMG Guidelines, 2015. Collection method: clinical testing. Allele origin: germline.

Labcorp Genetics (formerly Invitae), Labcorp
Classification: Uncertain significance for Congenital myasthenic syndrome 5. Last evaluated: 2021-12-02. Review status: criteria provided, single submitter. Criteria: Invitae Variant Classification Sherloc (09022015). Collection method: clinical testing. Allele origin: germline.
Comment: This sequence change replaces glutamic acid, which is acidic and polar, with aspartic acid, which is acidic and polar, at codon 306 of the COLQ protein (p.Glu306Asp). This variant is present in population databases (rs765680430, gnomAD 0.003%). This variant has not been reported in the literature in individuals affected with COLQ-related conditions. ClinVar contains an entry for this variant (Variation ID: 963583). Algorithms developed to predict the effect of missense changes on protein structure and function output the following: SIFT: "Tolerated"; PolyPhen-2: "Not Available"; Align-GVGD: "Class C0". The aspartic acid amino acid residue is found in multiple mammalian species, which suggests that this missense change does not adversely affect protein function. In summary, the available evidence is currently insufficient to determine the role of this variant in disease. Therefore, it has been classified as a Variant of Uncertain Significance.

NM_005677.4(COLQ):c.918A>T (p.Glu306Asp)

Gene: COLQ (collagen like tail subunit of asymmetric acetylcholinesterase; minus strand). Cytogenetic location: 3p25.1.
Variant type: single nucleotide variant.
Coding change: c.918A>T on transcript NM_005677.4 (MANE Select); coding-DNA position 918, A replaced by T.
Protein change: p.Glu306Asp; replaces glutamic acid 306 with aspartic acid.
Molecular consequence: missense variant.
Genome position (GRCh38, 1-based): chr3:15,458,222, T>A on the plus strand (A>T on the coding strand, the complement: COLQ is on the minus strand). VCF-style: chr3-15458222-T-A. GRCh37 (hg19) VCF-style: chr3-15499729-T-A.
Other names: c.888A>T, p.Glu296Asp (NM_080538.2); c.816A>T, p.Glu272Asp (NM_080539.4); short protein forms E296D, E272D, E306D.
Identifiers: ClinVar variation 963583 (VCV000963583.10), dbSNP rs765680430, ClinGen allele CA2275928.